The following is an entry in ClinVar:

ClinVar aggregate classification (germline): Likely pathogenic. Review status: criteria provided, multiple submitters, no conflicts (2 of 4 stars). 4 submissions from 4 submitters: Likely pathogenic (3). 1 of the submissions does not count toward it. Last evaluated 2025-02-21.

Conditions:
Hereditary breast ovarian cancer syndrome. Also called: Hereditary breast and ovarian cancer syndrome (HBOC); BRCA1- and BRCA2-Associated Hereditary Breast and Ovarian Cancer; Hereditary breast and/or ovarian cancer syndrome; Hereditary breast and ovarian cancer syndrome; Hereditary breast and ovarian cancer; Breast and ovarian cancer. Identifiers: Orphanet 145, MedGen C0677776, MeSH D061325, MONDO:0003582. Disease mechanism: loss of function.
Inherited ovarian cancer (without breast cancer).
Inherited breast cancer and ovarian cancer.
Malignant tumor of breast. Also called: Malignant breast neoplasm; Cancer breast. Identifiers: MedGen C0006142, MONDO:0007254. Disease mechanism: loss of function.

gnomAD v4.1: 1 of 1,611,944 alleles (0.000062%); highest among the groups gnomAD compares: Non-Finnish European, 0.000085%; no homozygotes.

Submissions (5):

Cambridge Genomics Laboratory, East Genomic Laboratory Hub, NHS Genomic Medicine Service
Classification: Likely pathogenic for Inherited ovarian cancer (without breast cancer). Last evaluated: 2025-02-21. Review status: criteria provided, single submitter. Criteria: ACGS Best Practice Guidelines for Variant Classification in Rare Disease 2020. Collection method: clinical testing. Allele origin: germline. Affected: yes.
Comment: PS3,PM2_Supporting,PP3

Genomics and Molecular Medicine Service, East Genomic Laboratory Hub, NHS Genomic Medicine Service
Classification: Likely pathogenic for Inherited breast cancer and ovarian cancer. Last evaluated: 2024-09-25. Review status: criteria provided, single submitter. Criteria: ACGS Best Practice Guidelines for Variant Classification in Rare Disease 2020. Collection method: clinical testing. Allele origin: germline. Affected: yes.
Comment: the same text as in the submission from Cambridge Genomics Laboratory, East Genomic Laboratory Hub, NHS Genomic Medicine Service above.

Cancer Variant Interpretation Group UK, Institute of Cancer Research, London
Classification: Likely pathogenic for Hereditary Breast and Ovarian Cancer. Last evaluated: 2020-06-01. Review status: criteria provided, single submitter. Criteria: ACMG Guidelines, 2015. Collection method: clinical testing. Allele origin: germline. Affected: yes. Observed: 1 variant allele.
Comment: Data included in classification: The variant is absent from GNOMAD (PM2_sup). This variant is predicted deleterious on REVEL 0.869 (PP3_sup). The variant is non-functional on saturation genome editing in haploid BRCA1 cellular model (Findlay et al 2018, PMID: 30209399) (PS3_Strong). Classification:likely pahtogneic (exponent score: 6) Data not included in classification: Multiple other insilico tools predict as deleterious. At least 3 strong UK families: UK family #1 Maternal and paternal family history of cancer, Manchester score of >20.

Brotman Baty Institute, University of Washington
No classification provided (evidence only). Condition: Breast-ovarian cancer, familial 1. Review status: no classification provided. Collection method: in vitro. Allele origin: not applicable. Functional consequence: functionally_abnormal. Not counted in ClinVar's aggregate classification.
ClinVar note: "not provided" was previously submitted as the classification for the variant. However, the classification appeared to be based only on an observation of functional data so it was converted to no classification on 2025-07-30.

Department of Pathology and Laboratory Medicine, Sinai Health System
Classification: Uncertain significance for Malignant tumor of breast. Review status: no assertion criteria provided. Collection method: clinical testing. Allele origin: unknown. Affected: yes. Study: The Canadian Open Genetics Repository (COGR). Not counted in ClinVar's aggregate classification.
Comment: The BRCA1 p.Val1687Gly variant was not identified in the literature, nor was it identified in the dbSNP, NHLBI Exome Sequencing Project (Exome Variant Server), HGMD, LOVD, COSMIC, UMD, or BIC databases. The p.Val1687 residue is conserved across mammals and lower organisms, and computational analyses (PolyPhen-2, SIFT, AlignGVGD, BLOSUM, MutationTaster) suggest that the p.Val1687Gly variant may impact the protein. However, this information is not predictive enough to assume pathogenicity. In summary, based on the above information, the clinical significance of this variant cannot be determined with certainty at this time. This variant is classified as a variant of unknown significance.

Literature cited by the submitters: PubMed 30209399 (cited by Cancer Variant Interpretation Group UK, Institute of Cancer Research, London).

NM_007294.4(BRCA1):c.5060T>G (p.Val1687Gly)

Gene: BRCA1 (BRCA1 DNA repair associated; minus strand). Cytogenetic location: 17q21.31.
Variant type: single nucleotide variant.
Coding change: c.5060T>G on transcript NM_007294.4 (MANE Select); coding-DNA position 5060, T replaced by G.
Protein change: p.Val1687Gly; replaces valine 1687 with glycine.
Molecular consequence: missense variant. On other transcripts: non-coding transcript variant (1).
Genome position (GRCh38, 1-based): chr17:43,067,622, A>C on the plus strand (T>G on the coding strand, the complement: BRCA1 is on the minus strand). VCF-style: chr17-43067622-A-C. GRCh37 (hg19) VCF-style: chr17-41219639-A-C.
Other names: c.4847T>G, p.Val1616Gly (NM_001407571.1, NM_001407894.1, NM_001407895.1 and 12 more transcripts); c.5126T>G, p.Val1709Gly (NM_001407581.1, NM_001407582.1); c.5123T>G, p.Val1708Gly (NM_001407583.1, NM_001407585.1, NM_001407587.1 and 1 more transcripts); c.5120T>G, p.Val1707Gly (NM_001407590.1, NM_001407591.1); c.5060T>G, p.Val1687Gly (NM_001407593.1, NM_001407594.1, NM_001407596.1 and 8 more transcripts); c.5057T>G, p.Val1686Gly (NM_001407619.1, NM_001407620.1, NM_001407621.1 and 17 more transcripts); c.5054T>G, p.Val1685Gly (NM_001407627.1, NM_001407638.1, NM_001407639.1 and 14 more transcripts); c.5051T>G, p.Val1684Gly (NM_001407644.1, NM_001407645.1); and 70 more; short protein forms V1687G, V1640G, V583G, V1708G, V1391G, V1533G, V1558G, V1560G.
Identifiers: ClinVar variation 433721 (VCV000433721.8), dbSNP rs1555579627, ClinGen allele CA10591398.